The following is an entry in ClinVar:

NM_000501.4(ELN):c.1132G>A (p.Ala378Thr)

Gene: ELN (elastin; plus strand). Cytogenetic location: 7q11.23.
Variant type: single nucleotide variant.
Coding change: c.1132G>A on transcript NM_000501.4 (MANE Select); coding-DNA position 1132, G replaced by A.
Protein change: p.Ala378Thr; replaces alanine 378 with threonine.
Molecular consequence: missense variant.
Genome position (GRCh38, 1-based): chr7:74,054,751, G>A. VCF-style: chr7-74054751-G-A. GRCh37 (hg19) VCF-style: chr7-73469081-G-A.
Other names: c.1102G>A, p.Ala368Thr (NM_001081752.3, NM_001278917.2); c.1147G>A, p.Ala383Thr (NM_001081753.3, NM_001081754.3); c.1132G>A, p.Ala378Thr (NM_001081755.3, NM_001278912.2, NM_001278915.2 and 1 more transcripts); c.1024G>A, p.Ala342Thr (NM_001278913.2); c.1117G>A, p.Ala373Thr (NM_001278914.2); c.1090G>A, p.Ala364Thr (NM_001278916.2); c.1000G>A, p.Ala334Thr (NM_001278918.2); short protein forms A334T, A378T, A364T, A373T, A383T, A342T, A368T.
Identifiers: ClinVar variation 2917076 (VCV002917076.3), dbSNP rs1356896610, ClinGen allele CA367881526.
Genomic context (GRCh38, chr7:74,054,751, plus strand): 5'-TTTGTGTCCCTTTTGGTCTCTCCAGGGGTTGTGTCACCAGAAGCAGCTGCTAAGGCAGCT[G>A]CAAAGGCAGCCAAATACGGTGAGTGCTATGCTGACAGCTCTGCCCCACCCTGTCCTGGCC-3'
Protein context (NP_000492.2, residues 368-388): VSPEAAAKAA[Ala378Thr]KAAKYGARPG

ClinVar aggregate classification (germline): Uncertain significance (1 of 4 stars; one submission).

Conditions:
Supravalvar aortic stenosis (SVAS). Also called: Supravalvar aortic stenosis, Eisenberg type. Identifiers: Orphanet 3193, MedGen C0003499, MONDO:0008504, OMIM 185500, HP:0004381.

Allele frequency attached by ClinVar (database versions not stated): gnomAD 0.00001.
gnomAD v4.1: 2 of 1,614,048 alleles (0.00012%); highest among the groups gnomAD compares: Admixed American, 0.0017%; no homozygotes.

Submission:

Labcorp Genetics (formerly Invitae), Labcorp
Classification: Uncertain significance for Supravalvar aortic stenosis. Last evaluated: 2023-07-25. Review status: criteria provided, single submitter. Criteria: Invitae Variant Classification Sherloc (09022015). Collection method: clinical testing. Allele origin: germline.
Comment: In summary, the available evidence is currently insufficient to determine the role of this variant in disease. Therefore, it has been classified as a Variant of Uncertain Significance. This sequence change replaces alanine, which is neutral and non-polar, with threonine, which is neutral and polar, at codon 378 of the ELN protein (p.Ala378Thr). This variant is present in population databases (no rsID available, gnomAD 0.01%). This variant has not been reported in the literature in individuals affected with ELN-related conditions. Advanced modeling of protein sequence and biophysical properties (such as structural, functional, and spatial information, amino acid conservation, physicochemical variation, residue mobility, and thermodynamic stability) performed at Invitae indicates that this missense variant is not expected to disrupt ELN protein function.